The following is an entry in ClinVar:

NM_153766.3(KCNJ1):c.432G>A (p.Gln144=)

Gene: KCNJ1 (potassium inwardly rectifying channel subfamily J member 1; minus strand). Cytogenetic location: 11q24.3.
Variant type: single nucleotide variant.
Coding change: c.432G>A on transcript NM_153766.3 (MANE Select); coding-DNA position 432, G replaced by A.
Protein change: p.Gln144=; no amino-acid change (glutamine 144 retained).
Molecular consequence: synonymous variant.
Genome position (GRCh38, 1-based): chr11:128,839,812, C>T on the plus strand (G>A on the coding strand, the complement: KCNJ1 is on the minus strand). VCF-style: chr11-128839812-C-T. GRCh37 (hg19) VCF-style: chr11-128709707-C-T.
Other names: c.489G>A (NM_000220.4); c.489G>A, p.Gln163= (NM_000220.6); c.432G>A, p.Gln144= (NM_153764.3, NM_153767.4); c.483G>A, p.Gln161= (NM_153765.3).
Identifiers: ClinVar variation 2184909 (VCV002184909.7), dbSNP rs756682819, ClinGen allele CA6357522.

ClinVar aggregate classification (germline): Likely benign. Review status: criteria provided, multiple submitters, no conflicts (2 of 4 stars). 3 submissions from 3 submitters: Likely benign (2). 1 of the submissions does not count toward it. Last evaluated 2025-07-02.

Conditions:
KCNJ1-related disorder. Also called: KCNJ1-related condition.
Bartter disease type 2. Also called: HYPERPROSTAGLANDIN E SYNDROME 2; HYPOKALEMIC ALKALOSIS WITH HYPERCALCIURIA 2, ANTENATAL; Bartter syndrome, type 2, antenatal. Identifiers: Orphanet 112, Orphanet 620220, MedGen C1855849, MONDO:0009424, OMIM 241200.

Allele frequency attached by ClinVar (database versions not stated): gnomAD 0.00003; TOPMed 0.00003; ExAC 0.00011.
gnomAD v4.1: 48 of 1,613,978 alleles (0.003%); highest among the groups gnomAD compares: Admixed American, 0.08%; 1 homozygote.

Submissions (3):

Labcorp Genetics (formerly Invitae), Labcorp
Classification: Likely benign. Last evaluated: 2025-07-02. Review status: criteria provided, single submitter. Criteria: Invitae Variant Classification Sherloc (09022015). Collection method: clinical testing. Allele origin: germline.

Fulgent Genetics
Classification: Likely benign for Bartter disease type 2. Last evaluated: 2024-01-24. Review status: criteria provided, single submitter. Criteria: ACMG Guidelines, 2015. Collection method: clinical testing. Allele origin: germline.

PreventionGenetics, part of Exact Sciences
Classification: Likely benign for KCNJ1-related condition. Last evaluated: 2019-06-12. Review status: no assertion criteria provided. Collection method: clinical testing. Allele origin: germline. Not counted in ClinVar's aggregate classification.
Comment: This variant is classified as likely benign based on ACMG/AMP sequence variant interpretation guidelines (Richards et al. 2015 PMID: 25741868, with internal and published modifications).